The following is an entry in ClinVar:

NM_006311.4(NCOR1):c.4218A>C (p.Leu1406Phe)

Gene: NCOR1 (nuclear receptor corepressor 1; minus strand). Cytogenetic location: 17p12.
Variant type: single nucleotide variant.
Coding change: c.4218A>C on transcript NM_006311.4 (MANE Select); coding-DNA position 4218, A replaced by C.
Protein change: p.Leu1406Phe; replaces leucine 1406 with phenylalanine.
Molecular consequence: missense variant.
Genome position (GRCh38, 1-based): chr17:16,070,460, T>G on the plus strand (A>C on the coding strand, the complement: NCOR1 is on the minus strand). VCF-style: chr17-16070460-T-G. GRCh37 (hg19) VCF-style: chr17-15973774-T-G.
Other names: c.4266A>C, p.Leu1422Phe (NM_001190440.2); short protein forms L1406F, L1422F.
Identifiers: ClinVar variation 777715 (VCV000777715.7), dbSNP rs61753150, ClinGen allele CA8408561.

ClinVar aggregate classification (germline): Benign. Review status: criteria provided, multiple submitters, no conflicts (2 of 4 stars). 3 submissions from 3 submitters: Benign (2). 1 of the submissions does not count toward it. Last evaluated 2019-12-31.

Conditions:
NCOR1-related disorder. Also called: NCOR1-related condition.

Allele frequency attached by ClinVar (database versions not stated): 1000 Genomes Project 30x 0.00390; 1000 Genomes Project 0.00399; ExAC 0.00891; gnomAD exomes 0.00898; TOPMed 0.00905; gnomAD 0.00976 and 0.01017; ESP Exome Variant Server 0.01061.
gnomAD v4.1: 20,985 of 1,614,202 alleles (1.3%); highest among the groups gnomAD compares: Non-Finnish European, 1.6%; 155 homozygotes.

Submissions (3):

Labcorp Genetics (formerly Invitae), Labcorp
Classification: Benign. Last evaluated: 2019-12-31. Review status: criteria provided, single submitter. Criteria: Invitae Variant Classification Sherloc (09022015). Collection method: clinical testing. Allele origin: germline.

Breakthrough Genomics
Classification: Benign. Review status: criteria provided, single submitter. Criteria: ACMG Guidelines, 2015. Collection method: not provided. Allele origin: germline. Inheritance: Unknown mechanism. Affected: yes.

PreventionGenetics, part of Exact Sciences
Classification: Benign for NCOR1-related condition. Last evaluated: 2019-04-16. Review status: no assertion criteria provided. Collection method: clinical testing. Allele origin: germline. Not counted in ClinVar's aggregate classification.
Comment: This variant is classified as benign based on ACMG/AMP sequence variant interpretation guidelines (Richards et al. 2015 PMID: 25741868, with internal and published modifications).